The following is an entry in ClinVar:

ClinVar aggregate classification (germline): Uncertain significance (1 of 4 stars; one submission).

Conditions:
Autosomal recessive limb-girdle muscular dystrophy type 2J (LGMDR10). Also called: Limb-girdle muscular dystrophy, type 2J; MUSCULAR DYSTROPHY, LIMB-GIRDLE, AUTOSOMAL RECESSIVE 10. Identifiers: Orphanet 140922, MedGen C1837342, MONDO:0012127, OMIM 608807.
Dilated cardiomyopathy 1G (CMD1G). Identifiers: Orphanet 154, MedGen C1858763, MONDO:0011400, OMIM 604145.

Submission:

Labcorp Genetics (formerly Invitae), Labcorp
Classification: Uncertain significance for Dilated cardiomyopathy 1G; Autosomal recessive limb-girdle muscular dystrophy type 2J. Last evaluated: 2022-06-08. Review status: criteria provided, single submitter. Criteria: Invitae Variant Classification Sherloc (09022015). Collection method: clinical testing. Allele origin: germline.
Comment: This sequence change falls in intron 61 of the TTN gene. It does not directly change the encoded amino acid sequence of the TTN protein. It affects a nucleotide within the consensus splice site. This variant is not present in population databases (gnomAD no frequency). This variant has not been reported in the literature in individuals affected with TTN-related conditions. Variants that disrupt the consensus splice site are a relatively common cause of aberrant splicing (PMID: 17576681, 9536098). Algorithms developed to predict the effect of sequence changes on RNA splicing suggest that this variant is not likely to affect RNA splicing. In summary, the available evidence is currently insufficient to determine the role of this variant in disease. Therefore, it has been classified as a Variant of Uncertain Significance.

Literature cited by the submitters: PubMed 17576681; PubMed 9536098.

NM_001267550.2(TTN):c.18028+6C>A

Gene: TTN (titin; minus strand). Cytogenetic location: 2q31.2.
Variant type: single nucleotide variant.
Coding change: c.18028+6C>A on transcript NM_001267550.2 (MANE Select); 6 bases into the intron after coding-DNA position 18028, C replaced by A.
Molecular consequence: intron variant.
Genome position (GRCh38, 1-based): chr2:178,730,499, G>T on the plus strand (C>A on the coding strand, the complement: TTN is on the minus strand). VCF-style: chr2-178730499-G-T. GRCh37 (hg19) VCF-style: chr2-179595226-G-T.
Other names: c.13282+7583C>A (NM_003319.4); c.13858+7583C>A (NM_133437.4); c.13657+7583C>A (NM_133432.3); c.14296+6C>A (NM_133378.4); c.17077+6C>A (NM_001256850.1).
Identifiers: ClinVar variation 2173260 (VCV002173260.1), dbSNP rs2530003434, ClinGen allele CA2580065258.